The following is an entry in ClinVar:

NM_000465.4(BARD1):c.2055C>G (p.His685Gln)

Gene: BARD1 (BRCA1 associated RING domain 1; minus strand). Cytogenetic location: 2q35.
Variant type: single nucleotide variant.
Coding change: c.2055C>G on transcript NM_000465.4 (MANE Select); coding-DNA position 2055, C replaced by G.
Protein change: p.His685Gln; replaces histidine 685 with glutamine.
Molecular consequence: missense variant. On other transcripts: non-coding transcript variant (3).
Genome position (GRCh38, 1-based): chr2:214,728,955, G>C on the plus strand (C>G on the coding strand, the complement: BARD1 is on the minus strand). VCF-style: chr2-214728955-G-C. GRCh37 (hg19) VCF-style: chr2-215593679-G-C.
Other names: c.2055C>G (NM_000465.2); c.1998C>G, p.His666Gln (NM_001282543.2); c.702C>G, p.His234Gln (NM_001282545.2); c.645C>G, p.His215Gln (NM_001282548.2); c.516C>G, p.His172Gln (NM_001282549.2); short protein forms H234Q, H215Q, H666Q, H172Q, H685Q.
Identifiers: ClinVar variation 2738096 (VCV002738096.4), dbSNP rs1692226013, ClinGen allele CA350450711.

ClinVar aggregate classification (germline): Uncertain significance. Review status: criteria provided, multiple submitters, no conflicts (2 of 4 stars). 2 submissions from 2 submitters: Uncertain significance (2). Last evaluated 2025-11-28.

Conditions:
Familial cancer of breast. Also called: hereditary breast carcinoma; Hereditary breast cancer; BREAST CANCER, FAMILIAL. Identifiers: Orphanet 227535, MedGen C0346153, MONDO:0016419, OMIM 114480. Disease mechanism: loss of function.
Hereditary cancer-predisposing syndrome. Also called: Hereditary Cancer Syndrome; Neoplastic Syndromes, Hereditary; Hereditary neoplastic syndrome; Tumor predisposition. Identifiers: Orphanet 140162, MedGen C0027672, MeSH D009386, MONDO:0015356.

Allele frequency attached by ClinVar (database versions not stated): TOPMed below 0.00001.

Submissions (2):

Ambry Genetics
Classification: Uncertain significance for Hereditary cancer-predisposing syndrome. Last evaluated: 2025-11-28. Review status: criteria provided, single submitter. Criteria: Ambry Variant Classification Scheme 2023. Collection method: clinical testing. Allele origin: germline.
Comment: The p.H685Q variant (also known as c.2055C>G), located in coding exon 11 of the BARD1 gene, results from a C to G substitution at nucleotide position 2055. The histidine at codon 685 is replaced by glutamine, an amino acid with highly similar properties. This amino acid position is conserved. In addition, this alteration is predicted to be tolerated by in silico analysis. Based on the available evidence, the clinical significance of this variant remains unclear.

Labcorp Genetics (formerly Invitae), Labcorp
Classification: Uncertain significance for Familial cancer of breast. Last evaluated: 2022-12-12. Review status: criteria provided, single submitter. Criteria: Invitae Variant Classification Sherloc (09022015). Collection method: clinical testing. Allele origin: germline.
Comment: In summary, the available evidence is currently insufficient to determine the role of this variant in disease. Therefore, it has been classified as a Variant of Uncertain Significance. Algorithms developed to predict the effect of missense changes on protein structure and function (SIFT, PolyPhen-2, Align-GVGD) all suggest that this variant is likely to be tolerated. This variant has not been reported in the literature in individuals affected with BARD1-related conditions. This variant is not present in population databases (gnomAD no frequency). This sequence change replaces histidine, which is basic and polar, with glutamine, which is neutral and polar, at codon 685 of the BARD1 protein (p.His685Gln).